The following is an entry in ClinVar:

ClinVar aggregate classification (germline): Likely pathogenic (1 of 4 stars; one submission).

Submission:

GeneDx
Classification: Likely pathogenic. Last evaluated: 2025-08-11. Review status: criteria provided, single submitter. Criteria: GeneDx Variant Classification Process June 2021. Collection method: clinical testing. Allele origin: germline. Affected: yes.
Comment: Nonsense variant predicted to result in protein truncation or nonsense mediated decay in a gene for which loss of function is a known mechanism of disease; Not observed at significant frequency in large population cohorts (gnomAD); Has not been previously published as pathogenic or benign to our knowledge

NM_013450.4(BAZ2B):c.4598C>G (p.Ser1533Ter)

Genes: BAZ2B (bromodomain adjacent to zinc finger domain 2B; minus strand), LOC126806390 (CDK7 strongly-dependent group 2 enhancer GRCh37_chr2:160205700-160206899; plus strand). Cytogenetic location: 2q24.2.
Variant type: single nucleotide variant.
Coding change: c.4598C>G on transcript NM_013450.4 (MANE Select); coding-DNA position 4598, C replaced by G.
Protein change: p.Ser1533Ter; replaces serine 1533 with a stop codon.
Molecular consequence: nonsense.
Genome position (GRCh38, 1-based): chr2:159,349,973, G>C on the plus strand (C>G on the coding strand, the complement: BAZ2B is on the minus strand). VCF-style: chr2-159349973-G-C. GRCh37 (hg19) VCF-style: chr2-160206484-G-C.
Other names: c.4490C>G, p.Ser1497Ter (NM_001289975.1); c.4436C>G, p.Ser1479Ter (NM_001329857.2); c.4523C>G, p.Ser1508Ter (NM_001329858.2); short protein forms S1497*, S1508*, S1479*, S1533*.
Identifiers: ClinVar variation 4795467 (VCV004795467.1).